The following is an entry in ClinVar:

ClinVar aggregate classification (germline): Uncertain significance. Review status: criteria provided, multiple submitters, no conflicts (2 of 4 stars). 2 submissions from 2 submitters: Uncertain significance (2). Last evaluated 2021-12-09.

Conditions:
Microcephaly, normal intelligence and immunodeficiency (NBS). Also called: Ataxia telangiectasia variant V1; IMMUNODEFICIENCY, MICROCEPHALY, AND CHROMOSOMAL INSTABILITY; SEEMANOVA SYNDROME II; Nijmegen breakage syndrome; Microcephaly with normal intelligence immunodeficiency and lymphoreticular malignancies; Nonsyndromal microcephaly autosomal recessive with normal intelligence. Identifiers: Orphanet 647, MedGen C0398791, MONDO:0009623, OMIM 251260.

Submissions (2):

Labcorp Genetics (formerly Invitae), Labcorp
Classification: Uncertain significance for Microcephaly, normal intelligence and immunodeficiency. Last evaluated: 2021-12-09. Review status: criteria provided, single submitter. Criteria: Invitae Variant Classification Sherloc (09022015). Collection method: clinical testing. Allele origin: germline.
Comment: This variant has not been reported in the literature in individuals affected with NBN-related conditions. In summary, the available evidence is currently insufficient to determine the role of this variant in disease. Therefore, it has been classified as a Variant of Uncertain Significance. Algorithms developed to predict the effect of missense changes on protein structure and function are either unavailable or do not agree on the potential impact of this missense change (SIFT: "Deleterious"; PolyPhen-2: "Probably Damaging"; Align-GVGD: "Class C0"). ClinVar contains an entry for this variant (Variation ID: 925115). This variant is not present in population databases (gnomAD no frequency). This sequence change replaces isoleucine, which is neutral and non-polar, with methionine, which is neutral and non-polar, at codon 293 of the NBN protein (p.Ile293Met).

Genome-Nilou Lab
Classification: Uncertain significance for Microcephaly, normal intelligence and immunodeficiency. Last evaluated: 2021-11-07. Review status: criteria provided, single submitter. Criteria: ACMG Guidelines, 2015. Collection method: clinical testing. Allele origin: germline. Affected: no.

NM_002485.5(NBN):c.879A>G (p.Ile293Met)

Gene: NBN (nibrin; minus strand). Cytogenetic location: 8q21.3.
Variant type: single nucleotide variant.
Coding change: c.879A>G on transcript NM_002485.5 (MANE Select); coding-DNA position 879, A replaced by G.
Protein change: p.Ile293Met; replaces isoleucine 293 with methionine.
Molecular consequence: missense variant.
Genome position (GRCh38, 1-based): chr8:89,970,381, T>C on the plus strand (A>G on the coding strand, the complement: NBN is on the minus strand). VCF-style: chr8-89970381-T-C. GRCh37 (hg19) VCF-style: chr8-90982609-T-C.
Other names: c.633A>G, p.Ile211Met (NM_001024688.3); short protein forms I211M, I293M.
Identifiers: ClinVar variation 925115 (VCV000925115.11), dbSNP rs1811450612, ClinGen allele CA371658247.